The following is an entry in ClinVar:

ClinVar aggregate classification (germline): Uncertain significance. Review status: criteria provided, multiple submitters, no conflicts (2 of 4 stars). 2 submissions from 2 submitters: Uncertain significance (2). Last evaluated 2025-08-05.

Conditions:
Bethlem myopathy 1A. Also called: MYOPATHY, BENIGN CONGENITAL, WITH CONTRACTURES; Bethlem myopathy 1; Bethlem Muscular Dystrophy. Identifiers: Orphanet 610, MedGen CN029274, MONDO:0024530, OMIM 158810.
Inborn genetic diseases. Identifiers: MedGen C0950123, MeSH D030342.

Allele frequency attached by ClinVar (database versions not stated): gnomAD exomes below 0.00001.
gnomAD v4.1: 2 of 1,612,606 alleles (0.00012%); highest among the groups gnomAD compares: South Asian, 0.0022%; no homozygotes.

Submissions (2):

Ambry Genetics
Classification: Uncertain significance for Inborn genetic diseases. Last evaluated: 2025-08-05. Review status: criteria provided, single submitter. Criteria: Ambry Variant Classification Scheme 2023. Collection method: clinical testing. Allele origin: germline.

Labcorp Genetics (formerly Invitae), Labcorp
Classification: Uncertain significance for Bethlem myopathy 1A. Last evaluated: 2022-12-26. Review status: criteria provided, single submitter. Criteria: Invitae Variant Classification Sherloc (09022015). Collection method: clinical testing. Allele origin: germline.
Comment: In summary, the available evidence is currently insufficient to determine the role of this variant in disease. Therefore, it has been classified as a Variant of Uncertain Significance. Advanced modeling of protein sequence and biophysical properties (such as structural, functional, and spatial information, amino acid conservation, physicochemical variation, residue mobility, and thermodynamic stability) performed at Invitae indicates that this missense variant is not expected to disrupt COL6A3 protein function. This variant has not been reported in the literature in individuals affected with COL6A3-related conditions. This variant is not present in population databases (gnomAD no frequency). This sequence change replaces lysine, which is basic and polar, with glutamine, which is neutral and polar, at codon 869 of the COL6A3 protein (p.Lys869Gln).

NM_004369.4(COL6A3):c.2605A>C (p.Lys869Gln)

Gene: COL6A3 (collagen type VI alpha 3 chain; minus strand). Cytogenetic location: 2q37.3.
Variant type: single nucleotide variant.
Coding change: c.2605A>C on transcript NM_004369.4 (MANE Select); coding-DNA position 2605, A replaced by C.
Protein change: p.Lys869Gln; replaces lysine 869 with glutamine.
Molecular consequence: missense variant.
Genome position (GRCh38, 1-based): chr2:237,377,237, T>G on the plus strand (A>C on the coding strand, the complement: COL6A3 is on the minus strand). VCF-style: chr2-237377237-T-G. GRCh37 (hg19) VCF-style: chr2-238285880-T-G.
Other names: c.1384A>C, p.Lys462Gln (NM_057164.5); c.1987A>C, p.Lys663Gln (NM_057165.5, NM_057167.4); c.784A>C, p.Lys262Gln (NM_057166.5); short protein forms K462Q, K262Q, K663Q, K869Q.
Identifiers: ClinVar variation 2978199 (VCV002978199.4), dbSNP rs2469914482, ClinGen allele CA351211150.